The following is an entry in ClinVar:

ClinVar aggregate classification (germline): Likely benign (1 of 4 stars; one submission).

gnomAD v4.1: 513 of 1,613,196 alleles (0.032%); highest among the groups gnomAD compares: African/African-American, 0.5%; 2 homozygotes.

Submission:

CeGaT Center for Human Genetics Tuebingen
Classification: Likely benign. Last evaluated: 2025-12-01. Review status: criteria provided, single submitter. Criteria: CeGaT Center For Human Genetics Tuebingen Variant Classification Criteria Version 2. Collection method: clinical testing. Allele origin: germline. Affected: yes. Observed: 3 variant alleles.
Comment: ANKRD17: BP4, BP7, BS1

NM_032217.5(ANKRD17):c.1080T>C (p.Ile360=)

Gene: ANKRD17 (ankyrin repeat domain 17; minus strand). Cytogenetic location: 4q13.3.
Variant type: single nucleotide variant.
Coding change: c.1080T>C on transcript NM_032217.5 (MANE Select); coding-DNA position 1080, T replaced by C.
Protein change: p.Ile360=; no amino-acid change (isoleucine 360 retained).
Molecular consequence: synonymous variant.
Genome position (GRCh38, 1-based): chr4:73,154,034, A>G on the plus strand (T>C on the coding strand, the complement: ANKRD17 is on the minus strand). VCF-style: chr4-73154034-A-G. GRCh37 (hg19) VCF-style: chr4-74019751-A-G.
Other names: c.741T>C, p.Ile247= (NM_001286771.3); c.1080T>C, p.Ile360= (NM_015574.2, NM_198889.3).
Identifiers: ClinVar variation 3905255 (VCV003905255.10).